The following is an entry in ClinVar:

ClinVar aggregate classification (germline): Likely benign. Review status: criteria provided, multiple submitters, no conflicts (2 of 4 stars). 2 submissions from 2 submitters: Likely benign (2). Last evaluated 2018-01-13.

Conditions:
Microcephaly, normal intelligence and immunodeficiency (NBS). Also called: IMMUNODEFICIENCY, MICROCEPHALY, AND CHROMOSOMAL INSTABILITY; SEEMANOVA SYNDROME II; BERLIN BREAKAGE SYNDROME; Nijmegen breakage syndrome; Microcephaly with normal intelligence immunodeficiency and lymphoreticular malignancies; Nonsyndromal microcephaly autosomal recessive with normal intelligence. Identifiers: Orphanet 647, MedGen C0398791, MONDO:0009623, OMIM 251260.

Allele frequency attached by ClinVar (database versions not stated): gnomAD exomes 0.00143; 1000 Genomes Project 0.00499; 1000 Genomes Project 30x 0.00547; gnomAD 0.00616 and 0.00662; TOPMed 0.00734.
gnomAD v4.1: 1,060 of 233,044 alleles (0.45%); highest among the groups gnomAD compares: African/African-American, 2.1%; 14 homozygotes.

Submissions (2):

Illumina Laboratory Services, Illumina
Classification: Likely benign for Microcephaly, normal intelligence and immunodeficiency. Last evaluated: 2018-01-13. Review status: criteria provided, single submitter. Criteria: ICSL Variant Classification Criteria 13 December 2019. Collection method: clinical testing. Allele origin: germline.
Comment: This variant was observed in the ICSL laboratory as part of a predisposition screen in an ostensibly healthy population. It had not been previously curated by ICSL or reported in the Human Gene Mutation Database (HGMD: prior to June 1st, 2018), and was therefore a candidate for classification through an automated scoring system. Utilizing variant allele frequency, disease prevalence and penetrance estimates, and inheritance mode, an automated score was calculated to assess if this variant is too frequent to cause the disease. Based on the score and internal cut-off values, a variant classified as likely benign is not then subjected to further curation. The score for this variant resulted in a classification of likely benign for this disease.

Breakthrough Genomics
Classification: Likely benign. Review status: criteria provided, single submitter. Criteria: ACMG Guidelines, 2015. Collection method: not provided. Allele origin: germline. Inheritance: Autosomal recessive inheritance. Affected: yes.

NM_002485.5(NBN):c.*1222A>C

Gene: NBN (nibrin; minus strand). Cytogenetic location: 8q21.3.
Variant type: single nucleotide variant.
Coding change: c.*1222A>C on transcript NM_002485.5 (MANE Select); 1222 bases downstream of the stop codon, A replaced by C.
Molecular consequence: 3 prime UTR variant.
Genome position (GRCh38, 1-based): chr8:89,934,360, T>G on the plus strand (A>C on the coding strand, the complement: NBN is on the minus strand). VCF-style: chr8-89934360-T-G. GRCh37 (hg19) VCF-style: chr8-90946588-T-G.
Other names: c.*1222A>C (NM_001024688.3).
Identifiers: ClinVar variation 910726 (VCV000910726.5), dbSNP rs13312985, ClinGen allele CA181266840.